The following is an entry in ClinVar:

ClinVar aggregate classification (germline): Likely benign (0 of 4 stars; one submission).

Conditions:
CPZ-related disorder. Also called: CPZ-related condition.

Allele frequency attached by ClinVar (database versions not stated): 1000 Genomes Project 30x 0.00031; 1000 Genomes Project 0.00040.

Submissions (2):

PreventionGenetics, part of Exact Sciences
Classification: Likely benign for CPZ-related condition. Last evaluated: 2021-03-31. Review status: no assertion criteria provided. Collection method: clinical testing. Allele origin: germline.
Comment: This variant is classified as likely benign based on ACMG/AMP sequence variant interpretation guidelines (Richards et al. 2015 PMID: 25741868, with internal and published modifications).

Dr. Peter K. Rogan Lab, Western University
No classification provided (evidence only). Condition: Hepatocellular carcinoma. Review status: no classification provided. Collection method: in vitro. Allele origin: not applicable. Functional consequence: cryptic splice site, retained intron. Not counted in ClinVar's aggregate classification.

NM_001014447.3(CPZ):c.1062G>A (p.Trp354Ter)

Gene: CPZ (carboxypeptidase Z; plus strand). Cytogenetic location: 4p16.1.
Variant type: single nucleotide variant.
Coding change: c.1062G>A on transcript NM_001014447.3 (MANE Select); coding-DNA position 1062, G replaced by A.
Protein change: p.Trp354Ter; replaces tryptophan 354 with a stop codon.
Molecular consequence: nonsense.
Genome position (GRCh38, 1-based): chr4:8,606,892, G>A. VCF-style: chr4-8606892-G-A. GRCh37 (hg19) VCF-style: chr4-8608619-G-A.
Other names: NC_000004.11:g.8608619G>A; c.651G>A, p.Trp217Ter (NM_001014448.3); c.1029G>A, p.Trp343Ter (NM_003652.4); short protein forms W217*, W343*, W354*.
Identifiers: ClinVar variation 3030295 (VCV003030295.3), dbSNP rs531394795, ClinGen allele CA2853493.